The following is an entry in ClinVar:

NM_020919.4(ALS2):c.62A>G (p.His21Arg)

Gene: ALS2 (alsin Rho guanine nucleotide exchange factor ALS2; minus strand). Cytogenetic location: 2q33.1.
Variant type: single nucleotide variant.
Coding change: c.62A>G on transcript NM_020919.4 (MANE Select); coding-DNA position 62, A replaced by G.
Protein change: p.His21Arg; replaces histidine 21 with arginine.
Molecular consequence: missense variant.
Genome position (GRCh38, 1-based): chr2:201,767,342, T>C on the plus strand (A>G on the coding strand, the complement: ALS2 is on the minus strand). VCF-style: chr2-201767342-T-C. GRCh37 (hg19) VCF-style: chr2-202632065-T-C.
Other names: c.62A>G, p.His21Arg (NM_001135745.2); short protein forms H21R.
Identifiers: ClinVar variation 1503041 (VCV001503041.6), dbSNP rs775695422, ClinGen allele CA2058732.
Genomic context (GRCh38, chr2:201,767,342, plus strand): 5'-TTTCCTCCCCAGCCTGGCAATCTCTCTGGTGTTATGGGAAAGGATCCTGCCTGCCAGATA[T>C]GGACCAGGCCTCTTTCCTTGGATCCTTCTGCCTCTGTTGAGCTAAAACATCAAGAAACAT-3'
Protein context (NP_065970.2, residues 11-31): AEGSKERGLV[His21Arg]IWQAGSFPIT

ClinVar aggregate classification (germline): Uncertain significance (1 of 4 stars; one submission).

Conditions:
Infantile-onset ascending hereditary spastic paralysis (IAHSP). Also called: Autosomal Recessive Juvenile Amyotrophic Lateral Sclerosis; Infantile-Onset Ascending Hereditary Spastic Paralysis (IAHSP). Identifiers: Orphanet 293168, MedGen C2931441, MONDO:0011797, OMIM 607225. Disease mechanism: loss of function.

Allele frequency attached by ClinVar (database versions not stated): TOPMed below 0.00001; ExAC 0.00002; gnomAD exomes 0.00002.
gnomAD v4.1: 9 of 1,614,158 alleles (0.00056%); highest among the groups gnomAD compares: East Asian, 0.0089%; no homozygotes.

Submission:

Labcorp Genetics (formerly Invitae), Labcorp
Classification: Uncertain significance for Infantile-onset ascending hereditary spastic paralysis. Last evaluated: 2021-08-20. Review status: criteria provided, single submitter. Criteria: Invitae Variant Classification Sherloc (09022015). Collection method: clinical testing. Allele origin: germline.
Comment: This missense change has been observed in individual(s) with amyotrophic lateral sclerosis (PMID: 26742954). This variant is present in population databases (rs775695422, ExAC 0.02%). This sequence change replaces histidine with arginine at codon 21 of the ALS2 protein (p.His21Arg). The histidine residue is moderately conserved and there is a small physicochemical difference between histidine and arginine. Algorithms developed to predict the effect of missense changes on protein structure and function are either unavailable or do not agree on the potential impact of this missense change (SIFT: "Tolerated"; PolyPhen-2: "Possibly Damaging"; Align-GVGD: "Class C0"). In summary, the available evidence is currently insufficient to determine the role of this variant in disease. Therefore, it has been classified as a Variant of Uncertain Significance.

Literature cited by the submitters: PubMed 26742954.